The following is an entry in ClinVar:

NM_203447.4(DOCK8):c.1543G>T (p.Ala515Ser)

Gene: DOCK8 (dedicator of cytokinesis 8; plus strand). Cytogenetic location: 9p24.3.
Variant type: single nucleotide variant.
Coding change: c.1543G>T on transcript NM_203447.4 (MANE Select); coding-DNA position 1543, G replaced by T.
Protein change: p.Ala515Ser; replaces alanine 515 with serine.
Molecular consequence: missense variant.
Genome position (GRCh38, 1-based): chr9:340,185, G>T. VCF-style: chr9-340185-G-T. GRCh37 (hg19) VCF-style: chr9-340185-G-T.
Other names: c.1339G>T, p.Ala447Ser (NM_001190458.2, NM_001193536.2); short protein forms A447S, A515S.
Identifiers: ClinVar variation 1467376 (VCV001467376.7), dbSNP rs754347470, ClinGen allele CA4957779.

ClinVar aggregate classification (germline): Uncertain significance (1 of 4 stars; one submission).

gnomAD v4.1: 4 of 1,614,098 alleles (0.00025%); highest among the groups gnomAD compares: Non-Finnish European, 0.00025%; no homozygotes.

Submission:

Labcorp Genetics (formerly Invitae), Labcorp
Classification: Uncertain significance for Combined immunodeficiency due to DOCK8 deficiency. Last evaluated: 2023-02-10. Review status: criteria provided, single submitter. Criteria: Invitae Variant Classification Sherloc (09022015). Collection method: clinical testing. Allele origin: germline.
Comment: In summary, the available evidence is currently insufficient to determine the role of this variant in disease. Therefore, it has been classified as a Variant of Uncertain Significance. Advanced modeling of protein sequence and biophysical properties (such as structural, functional, and spatial information, amino acid conservation, physicochemical variation, residue mobility, and thermodynamic stability) performed at Invitae indicates that this missense variant is not expected to disrupt DOCK8 protein function. ClinVar contains an entry for this variant (Variation ID: 1467376). This variant has not been reported in the literature in individuals affected with DOCK8-related conditions. This variant is present in population databases (rs754347470, gnomAD 0.0009%). This sequence change replaces alanine, which is neutral and non-polar, with serine, which is neutral and polar, at codon 515 of the DOCK8 protein (p.Ala515Ser).